The following is an entry in ClinVar:

ClinVar aggregate classification (germline): Conflicting classifications of pathogenicity. Review status: criteria provided, conflicting classifications (1 of 4 stars). 3 submissions from 3 submitters: Uncertain significance (2); Likely benign (1). Last evaluated 2023-03-23.

Conditions:
Hereditary cancer-predisposing syndrome. Also called: Neoplastic Syndromes, Hereditary; Tumor predisposition; Hereditary Cancer Syndrome; Hereditary neoplastic syndrome. Identifiers: Orphanet 140162, MedGen C0027672, MeSH D009386, MONDO:0015356.

Submissions (3):

University of Washington Department of Laboratory Medicine, University of Washington
Classification: Likely benign for Hereditary cancer-predisposing syndrome. Last evaluated: 2023-03-23. Review status: criteria provided, single submitter. Criteria: Dines et al. (Genet Med. 2020). Collection method: curation. Allele origin: germline.
Comment: Missense variant in a coldspot region where missense variants are very unlikely to be pathogenic (PMID:31911673).

BRCA1 coldspot (exon 11 using historical exon numbering). Reclassification based on statistical prior probability

Color Diagnostics, LLC DBA Color Health
Classification: Uncertain significance for Hereditary cancer-predisposing syndrome. Last evaluated: 2019-05-16. Review status: criteria provided, single submitter. Criteria: ACMG Guidelines, 2015. Collection method: clinical testing. Allele origin: germline.

Ambry Genetics
Classification: Uncertain significance for Hereditary cancer-predisposing syndrome. Last evaluated: 2015-07-15. Review status: criteria provided, single submitter. Criteria: Ambry Autosomal Dominant and X-Linked criteria (10/2015). Collection method: clinical testing. Allele origin: germline. Observed: 1 variant allele.
Comment: The p.S763C variant (also known as c.2288C>G or 2407C>G), located in coding exon 9 of the BRCA1 gene, results from a C to G substitution at nucleotide position 2288. The serine at codon 763 is replaced by cysteine, an amino acid with dissimilar properties. This variant was not reported in population based cohorts in the following databases: Database of Single Nucleotide Polymorphisms (dbSNP), NHLBI Exome Sequencing Project (ESP), and 1000 Genomes Project. In the ESP, this variant was not observed in 6503 samples (13006 alleles) with coverage of 6503at this position. To date, this alteration has been detected with an allele frequency of approximately 0.001% (greater than 150000 alleles tested) in our clinical cohort.This amino acid position is not well conserved in available vertebrate species. In addition, this alteration is predicted to be tolerated by in silico analysis.Since supporting evidence is limited at this time, the clinical significance of p.S763Cremains unclear.

NM_007294.4(BRCA1):c.2288C>G (p.Ser763Cys)

Gene: BRCA1 (BRCA1 DNA repair associated; minus strand). Cytogenetic location: 17q21.31.
Variant type: single nucleotide variant.
Coding change: c.2288C>G on transcript NM_007294.4 (MANE Select); coding-DNA position 2288, C replaced by G.
Protein change: p.Ser763Cys; replaces serine 763 with cysteine.
Molecular consequence: missense variant. On other transcripts: intron variant (137).
Genome position (GRCh38, 1-based): chr17:43,093,243, G>C on the plus strand (C>G on the coding strand, the complement: BRCA1 is on the minus strand). VCF-style: chr17-43093243-G-C. GRCh37 (hg19) VCF-style: chr17-41245260-G-C.
Other names: c.2162C>G, p.Ser721Cys (NM_001407649.1, NM_001407670.1, NM_001407671.1 and 11 more transcripts); c.2288C>G, p.Ser763Cys (NM_001407652.1, NM_001407684.1, NM_001407854.1 and 30 more transcripts); c.2210C>G, p.Ser737Cys (NM_001407653.1, NM_001407654.1, NM_001407655.1 and 4 more transcripts); c.2207C>G, p.Ser736Cys (NM_001407659.1, NM_001407660.1, NM_001407661.1 and 1 more transcripts); c.2165C>G, p.Ser722Cys (NM_001407664.1, NM_001407665.1, NM_001407666.1 and 19 more transcripts); c.2147C>G, p.Ser716Cys (NM_001407692.1, NM_001407694.1, NM_001407695.1 and 29 more transcripts); c.2144C>G, p.Ser715Cys (NM_001407740.1, NM_001407741.1, NM_001407742.1 and 20 more transcripts); c.2075C>G, p.Ser692Cys (NM_001407853.1, NM_001407894.1, NM_001407895.1 and 9 more transcripts); and 41 more; short protein forms S763C, S716C, S635C, S636C, S674C, S696C, S762C, S715C.
Identifiers: ClinVar variation 232980 (VCV000232980.9), dbSNP rs876660112, ClinGen allele CA10580624.